The following is an entry in ClinVar:

NM_000059.4(BRCA2):c.5486T>C (p.Leu1829Ser)

Gene: BRCA2 (BRCA2 DNA repair associated; plus strand). Cytogenetic location: 13q13.1.
Variant type: single nucleotide variant.
Coding change: c.5486T>C on transcript NM_000059.4 (MANE Select); coding-DNA position 5486, T replaced by C.
Protein change: p.Leu1829Ser; replaces leucine 1829 with serine.
Molecular consequence: missense variant.
Genome position (GRCh38, 1-based): chr13:32,339,841, T>C. VCF-style: chr13-32339841-T-C. GRCh37 (hg19) VCF-style: chr13-32913978-T-C.
Other names: short protein forms L1829S.
Identifiers: ClinVar variation 855332 (VCV000855332.13), dbSNP rs2072530512, ClinGen allele CA387785739.

ClinVar aggregate classification (germline): Conflicting classifications of pathogenicity. Review status: criteria provided, conflicting classifications (1 of 4 stars). 3 submissions from 3 submitters: Uncertain significance (2); Likely benign (1). Last evaluated 2024-10-22.

Conditions:
Hereditary breast ovarian cancer syndrome. Also called: Hereditary breast and ovarian cancer syndrome; BRCA1- and BRCA2-Associated Hereditary Breast and Ovarian Cancer; Hereditary breast and/or ovarian cancer syndrome; Hereditary breast and ovarian cancer; Hereditary breast and ovarian cancer syndrome (HBOC); Breast and ovarian cancer. Identifiers: Orphanet 145, MedGen C0677776, MeSH D061325, MONDO:0003582. Disease mechanism: loss of function.
Hereditary cancer-predisposing syndrome. Also called: Neoplastic Syndromes, Hereditary; Hereditary Cancer Syndrome; Tumor predisposition; Hereditary neoplastic syndrome. Identifiers: Orphanet 140162, MedGen C0027672, MeSH D009386, MONDO:0015356.

Submissions (3):

Labcorp Genetics (formerly Invitae), Labcorp
Classification: Uncertain significance for Hereditary breast ovarian cancer syndrome. Last evaluated: 2024-10-22. Review status: criteria provided, single submitter. Criteria: Invitae Variant Classification Sherloc (09022015). Collection method: clinical testing. Allele origin: germline.
Comment: This sequence change replaces leucine, which is neutral and non-polar, with serine, which is neutral and polar, at codon 1829 of the BRCA2 protein (p.Leu1829Ser). This variant is not present in population databases (gnomAD no frequency). This variant has not been reported in the literature in individuals affected with BRCA2-related conditions. ClinVar contains an entry for this variant (Variation ID: 855332). Invitae Evidence Modeling of protein sequence and biophysical properties (such as structural, functional, and spatial information, amino acid conservation, physicochemical variation, residue mobility, and thermodynamic stability) indicates that this missense variant is not expected to disrupt BRCA2 protein function with a negative predictive value of 95%. In summary, the available evidence is currently insufficient to determine the role of this variant in disease. Therefore, it has been classified as a Variant of Uncertain Significance.

University of Washington Department of Laboratory Medicine, University of Washington
Classification: Likely benign for Hereditary cancer-predisposing syndrome. Last evaluated: 2023-03-23. Review status: criteria provided, single submitter. Criteria: Dines et al. (Genet Med. 2020). Collection method: curation. Allele origin: germline.
Comment: Missense variant in a coldspot region where missense variants are very unlikely to be pathogenic (PMID:31911673).

BRCA2 exon 11 coldspot. Reclassification based on statistical prior probability.

Ambry Genetics
Classification: Uncertain significance for Hereditary cancer-predisposing syndrome. Last evaluated: 2021-03-31. Review status: criteria provided, single submitter. Criteria: Ambry Variant Classification Scheme 2023. Collection method: clinical testing. Allele origin: germline.
Comment: The p.L1829S variant (also known as c.5486T>C), located in coding exon 10 of the BRCA2 gene, results from a T to C substitution at nucleotide position 5486. The leucine at codon 1829 is replaced by serine, an amino acid with dissimilar properties. This amino acid position is not well conserved in available vertebrate species. In addition, this alteration is predicted to be tolerated by in silico analysis. Since supporting evidence is limited at this time, the clinical significance of this alteration remains unclear.